The following is an entry in ClinVar:

ClinVar aggregate classification (germline): Uncertain significance (1 of 4 stars; one submission).

Conditions:
Cardiovascular phenotype. Identifiers: MedGen CN230736.

Allele frequency attached by ClinVar (database versions not stated): TOPMed below 0.00001.

Submission:

Ambry Genetics
Classification: Uncertain significance for Cardiovascular phenotype. Last evaluated: 2025-11-15. Review status: criteria provided, single submitter. Criteria: Ambry Variant Classification Scheme 2023. Collection method: clinical testing. Allele origin: germline.
Comment: The p.S1047G variant (also known as c.3139A>G), located in coding exon 17 of the SCN10A gene, results from an A to G substitution at nucleotide position 3139. The serine at codon 1047 is replaced by glycine, an amino acid with similar properties. This amino acid position is conserved. In addition, the in silico prediction for this alteration is inconclusive. Since supporting evidence is limited at this time, the clinical significance of this alteration remains unclear.

NM_006514.4(SCN10A):c.3139A>G (p.Ser1047Gly)

Genes: SCN10A (sodium voltage-gated channel alpha subunit 10; minus strand), LOC110121288 (VISTA enhancer hs2268; plus strand). Cytogenetic location: 3p22.2.
Variant type: single nucleotide variant.
Coding change: c.3139A>G on transcript NM_006514.4 (MANE Select); coding-DNA position 3139, A replaced by G.
Protein change: p.Ser1047Gly; replaces serine 1047 with glycine.
Molecular consequence: missense variant.
Genome position (GRCh38, 1-based): chr3:38,725,263, T>C on the plus strand (A>G on the coding strand, the complement: SCN10A is on the minus strand). VCF-style: chr3-38725263-T-C. GRCh37 (hg19) VCF-style: chr3-38766754-T-C.
Other names: c.3136A>G, p.Ser1046Gly (NM_001293306.2); c.2845A>G, p.Ser949Gly (NM_001293307.2); short protein forms S1047G, S1046G, S949G.
Identifiers: ClinVar variation 1728045 (VCV001728045.3), dbSNP rs1262515384, ClinGen allele CA352156751.
Genomic context (GRCh38, chr3:38,725,263, plus strand): 5'-CTTTCCACGTCTCACCCAGGGATGGAGCCAGGTCCTCAGAAGATGTTCCAGTGCCTGGGC[T>C]CCTGGGTGTCAGGTGGTCCCCACACCTCTCGACTTGCTGCAGCTGCTCCTGCTAGTGAGA-3'
Protein context (NP_006505.4, residues 1037-1057): ERCGDHLTPR[Ser1047Gly]PGTGTSSEDL